The following is an entry in ClinVar:

NM_053025.4(MYLK):c.67A>G (p.Arg23Gly)

Gene: MYLK (myosin light chain kinase; minus strand). Cytogenetic location: 3q21.1.
Variant type: single nucleotide variant.
Coding change: c.67A>G on transcript NM_053025.4 (MANE Select); coding-DNA position 67, A replaced by G.
Protein change: p.Arg23Gly; replaces arginine 23 with glycine.
Molecular consequence: missense variant. On other transcripts: 5 prime UTR variant (1).
Genome position (GRCh38, 1-based): chr3:123,793,775, T>C on the plus strand (A>G on the coding strand, the complement: MYLK is on the minus strand). VCF-style: chr3-123793775-T-C. GRCh37 (hg19) VCF-style: chr3-123512622-T-C.
Other names: c.67A>G (NM_053025.3); c.-254A>G (NM_001321309.2); c.67A>G, p.Arg23Gly (NM_053026.4, NM_053027.4, NM_053028.4); short protein forms R23G.
Identifiers: ClinVar variation 2729391 (VCV002729391.4), dbSNP rs767799002, ClinGen allele CA073444.

ClinVar aggregate classification (germline): Uncertain significance. Review status: criteria provided, multiple submitters, no conflicts (2 of 4 stars). 2 submissions from 2 submitters: Uncertain significance (2). Last evaluated 2024-01-01.

Conditions:
Familial thoracic aortic aneurysm and aortic dissection (TAAD). Also called: Thoracic aortic aneurysms and dissections. Identifiers: Orphanet 91387, MedGen C4707243, MONDO:0019625.
Aortic aneurysm, familial thoracic 7 (AAT7). Also called: AORTIC DISSECTION, FAMILIAL, WITH OR WITHOUT AORTIC ANEURYSM. Identifiers: MedGen C3151077, MONDO:0013418, OMIM 613780.

Allele frequency attached by ClinVar (database versions not stated): gnomAD 0.00001; gnomAD exomes 0.00001; ExAC 0.00002.
gnomAD v4.1: 20 of 1,613,500 alleles (0.0012%); highest among the groups gnomAD compares: South Asian, 0.014%; no homozygotes.

Submissions (2):

Ambry Genetics
Classification: Uncertain significance for Familial thoracic aortic aneurysm and aortic dissection. Last evaluated: 2024-01-01. Review status: criteria provided, single submitter. Criteria: Ambry Variant Classification Scheme 2023. Collection method: clinical testing. Allele origin: germline.
Comment: The p.R23G variant (also known as c.67A>G), located in coding exon 1 of the MYLK gene, results from an A to G substitution at nucleotide position 67. The arginine at codon 23 is replaced by glycine, an amino acid with dissimilar properties. This amino acid position is conserved. In addition, this alteration is predicted to be tolerated by in silico analysis. Since supporting evidence is limited at this time, the clinical significance of this alteration remains unclear.

Labcorp Genetics (formerly Invitae), Labcorp
Classification: Uncertain significance for Aortic aneurysm, familial thoracic 7. Last evaluated: 2023-01-15. Review status: criteria provided, single submitter. Criteria: Invitae Variant Classification Sherloc (09022015). Collection method: clinical testing. Allele origin: germline.
Comment: In summary, the available evidence is currently insufficient to determine the role of this variant in disease. Therefore, it has been classified as a Variant of Uncertain Significance. Advanced modeling of protein sequence and biophysical properties (such as structural, functional, and spatial information, amino acid conservation, physicochemical variation, residue mobility, and thermodynamic stability) performed at Invitae indicates that this missense variant is not expected to disrupt MYLK protein function. This variant has not been reported in the literature in individuals affected with MYLK-related conditions. This variant is present in population databases (rs767799002, gnomAD 0.01%). This sequence change replaces arginine, which is basic and polar, with glycine, which is neutral and non-polar, at codon 23 of the MYLK protein (p.Arg23Gly).